The following is an entry in ClinVar:

NM_000038.6(APC):c.3308G>A (p.Arg1103Lys)

Gene: APC (APC regulator of Wnt signaling pathway; plus strand). Cytogenetic location: 5q22.2.
Variant type: single nucleotide variant.
Coding change: c.3308G>A on transcript NM_000038.6 (MANE Select); coding-DNA position 3308, G replaced by A.
Protein change: p.Arg1103Lys; replaces arginine 1103 with lysine.
Molecular consequence: missense variant.
Genome position (GRCh38, 1-based): chr5:112,838,902, G>A. VCF-style: chr5-112838902-G-A. GRCh37 (hg19) VCF-style: chr5-112174599-G-A.
Other names: c.3308G>A, p.Arg1103Lys (NM_001127510.3, NM_001354895.2); c.3254G>A, p.Arg1085Lys (NM_001127511.3); c.3362G>A, p.Arg1121Lys (NM_001354896.2); c.3338G>A, p.Arg1113Lys (NM_001354897.2); c.3233G>A, p.Arg1078Lys (NM_001354898.2); c.3224G>A, p.Arg1075Lys (NM_001354899.2); c.3185G>A, p.Arg1062Lys (NM_001354900.2); c.3131G>A, p.Arg1044Lys (NM_001354901.2); and 5 more; short protein forms R1085K, R1103K, R1121K, R1002K, R1012K, R1113K, R977K, R1078K.
Identifiers: ClinVar variation 570983 (VCV000570983.19), dbSNP rs200371555, ClinGen allele CA034974.
Genomic context (GRCh38, chr5:112,838,902, plus strand): 5'-ATGATAAACACCTCAAGTTCCAACCACATTTTGGACAGCAGGAATGTGTTTCTCCATACA[G>A]GTCACGGGGAGCCAATGGTTCAGAAACAAATCGAGTGGGTTCTAATCATGGAATTAATCA-3'
Protein context (NP_000029.2, residues 1093-1113): FGQQECVSPY[Arg1103Lys]SRGANGSETN

ClinVar aggregate classification (germline): Uncertain significance. Review status: criteria provided, multiple submitters, no conflicts (2 of 4 stars). 4 submissions from 4 submitters: Uncertain significance (4). Last evaluated 2026-01-13.

Conditions:
Hereditary cancer-predisposing syndrome. Also called: Hereditary neoplastic syndrome; Tumor predisposition; Neoplastic Syndromes, Hereditary; Hereditary Cancer Syndrome. Identifiers: Orphanet 140162, MedGen C0027672, MeSH D009386, MONDO:0015356.
Familial adenomatous polyposis 1 (FAP1). Also called: POLYPOSIS, ADENOMATOUS INTESTINAL; FAMILIAL ADENOMATOUS POLYPOSIS 1, ATTENUATED. Identifiers: MedGen C2713442, MONDO:0021056, OMIM 175100. Disease mechanism: loss of function.
Classic or attenuated familial adenomatous polyposis. Identifiers: MedGen CN372698, MONDO:0021057.

Allele frequency attached by ClinVar (database versions not stated): gnomAD exomes below 0.00001 and 0.00001; ExAC 0.00001; gnomAD 0.00001; 1000 Genomes Project 30x 0.00031; 1000 Genomes Project 0.00040.
gnomAD v4.1: 10 of 1,614,144 alleles (0.00062%); highest among the groups gnomAD compares: South Asian, 0.0022%; no homozygotes.

Submissions (4):

Labcorp Genetics (formerly Invitae), Labcorp
Classification: Uncertain significance for Familial adenomatous polyposis 1. Last evaluated: 2026-01-13. Review status: criteria provided, single submitter. Criteria: Invitae Variant Classification Sherloc (09022015). Collection method: clinical testing. Allele origin: germline.
Comment: This sequence change replaces arginine, which is basic and polar, with lysine, which is basic and polar, at codon 1103 of the APC protein (p.Arg1103Lys). This variant is present in population databases (rs200371555, gnomAD 0.0009%). This variant has not been reported in the literature in individuals affected with APC-related conditions. ClinVar contains an entry for this variant (Variation ID: 570983). Invitae Evidence Modeling of protein sequence and biophysical properties (such as structural, functional, and spatial information, amino acid conservation, physicochemical variation, residue mobility, and thermodynamic stability) indicates that this missense variant is not expected to disrupt APC protein function with a negative predictive value of 95%. RNA analysis performed to evaluate the impact of this missense change on mRNA splicing indicates it does not significantly alter splicing (internal data). In summary, the available evidence is currently insufficient to determine the role of this variant in disease. Therefore, it has been classified as a Variant of Uncertain Significance.

Color Diagnostics, LLC DBA Color Health
Classification: Uncertain significance for Hereditary cancer-predisposing syndrome. Last evaluated: 2025-07-23. Review status: criteria provided, single submitter. Criteria: ACMG Guidelines, 2015. Collection method: clinical testing. Allele origin: germline.
Comment: This missense variant replaces arginine with lysine at codon 1103 of the APC protein. Computational prediction suggests that this variant may not impact protein structure and function. To our knowledge, functional studies have not been reported for this variant. This variant has been reported in an individual affected with rectal cancer in the literature (PMID: 25559809). This variant has been identified in 2/250374 chromosomes in the general population by the Genome Aggregation Database (gnomAD). The available evidence is insufficient to determine the role of this variant in disease conclusively. Therefore, this variant is classified as a Variant of Uncertain Significance.

Ambry Genetics
Classification: Uncertain significance for Hereditary cancer-predisposing syndrome. Last evaluated: 2024-06-06. Review status: criteria provided, single submitter. Criteria: Ambry Variant Classification Scheme 2023. Collection method: clinical testing. Allele origin: germline.
Comment: The p.R1103K variant (also known as c.3308G>A), located in coding exon 15 of the APC gene, results from a G to A substitution at nucleotide position 3308. The arginine at codon 1103 is replaced by lysine, an amino acid with highly similar properties. This amino acid position is highly conserved in available vertebrate species. In addition, in silico predictors for this gene do not accurately predict pathogenicity. Since supporting evidence is limited at this time, the clinical significance of this alteration remains unclear.

All of Us Research Program, National Institutes of Health
Classification: Uncertain significance for Classic or attenuated familial adenomatous polyposis. Last evaluated: 2024-03-05. Review status: criteria provided, single submitter. Criteria: ACMG Guidelines, 2015. Collection method: clinical testing. Allele origin: germline. Inheritance: Autosomal dominant inheritance. Observed: 2 variant alleles, 2 heterozygotes.
Comment: This study involves interpretation of variants in research participants for the purpose of population health screening. Participant phenotype was not available at the time of variant classification. Additional details can be found in publication PMID: 35346344, PMCID: PMC8962531

Literature cited by the submitters: PubMed 25559809 (cited by Color Diagnostics, LLC DBA Color Health).